The following is an entry in ClinVar:

ClinVar aggregate classification (germline): Uncertain significance (1 of 4 stars; one submission).

Conditions:
Dyskeratosis congenita. Identifiers: Orphanet 1775, MedGen C0265965, MONDO:0015780.

Allele frequency attached by ClinVar (database versions not stated): ExAC 0.00001.
gnomAD v4.1: 2 of 1,614,172 alleles (0.00012%); highest among the groups gnomAD compares: South Asian, 0.0022%; no homozygotes.

Submission:

Ambry Genetics
Classification: Uncertain significance for Dyskeratosis congenita. Last evaluated: 2022-06-27. Review status: criteria provided, single submitter. Criteria: Ambry Variant Classification Scheme 2023. Collection method: clinical testing. Allele origin: germline.
Comment: The p.R724T variant (also known as c.2171G>C), located in coding exon 6 of the TERT gene, results from a G to C substitution at nucleotide position 2171. The arginine at codon 724 is replaced by threonine, an amino acid with similar properties. This amino acid position is conserved. In addition, the in silico prediction for this alteration is inconclusive. Since supporting evidence is limited at this time, the clinical significance of this alteration remains unclear.

NM_198253.3(TERT):c.2171G>C (p.Arg724Thr)

Gene: TERT (telomerase reverse transcriptase; minus strand). Cytogenetic location: 5p15.33.
Variant type: single nucleotide variant.
Coding change: c.2171G>C on transcript NM_198253.3 (MANE Select); coding-DNA position 2171, G replaced by C.
Protein change: p.Arg724Thr; replaces arginine 724 with threonine.
Molecular consequence: missense variant. On other transcripts: non-coding transcript variant (2).
Genome position (GRCh38, 1-based): chr5:1,278,756, C>G on the plus strand (G>C on the coding strand, the complement: TERT is on the minus strand). VCF-style: chr5-1278756-C-G. GRCh37 (hg19) VCF-style: chr5-1278871-C-G.
Other names: c.2171G>C, p.Arg724Thr (NM_001193376.3, NM_003219.1); short protein forms R724T.
Identifiers: ClinVar variation 1787111 (VCV001787111.2), dbSNP rs758192867, ClinGen allele CA3184633.